The following is an entry in ClinVar:

ClinVar aggregate classification (germline): Uncertain significance. Review status: criteria provided, multiple submitters, no conflicts (2 of 4 stars). 2 submissions from 2 submitters: Uncertain significance (2). Last evaluated 2024-11-09.

Conditions:
Inborn genetic diseases. Identifiers: MedGen C0950123, MeSH D030342.
KBG syndrome (KBGS). Also called: ANKRD11-Related KBG Syndrome. Identifiers: Orphanet 2332, MedGen C0220687, MONDO:0007846, OMIM 148050.

Allele frequency attached by ClinVar (database versions not stated): ExAC 0.00001; gnomAD exomes 0.00001.
gnomAD v4.1: 13 of 1,604,908 alleles (0.00081%); highest among the groups gnomAD compares: South Asian, 0.0011%; no homozygotes.

Submissions (2):

Ambry Genetics
Classification: Uncertain significance for Inborn genetic diseases. Last evaluated: 2024-11-09. Review status: criteria provided, single submitter. Criteria: Ambry Variant Classification Scheme 2023. Collection method: clinical testing. Allele origin: germline.

Labcorp Genetics (formerly Invitae), Labcorp
Classification: Uncertain significance for KBG syndrome. Last evaluated: 2023-07-17. Review status: criteria provided, single submitter. Criteria: Invitae Variant Classification Sherloc (09022015). Collection method: clinical testing. Allele origin: germline.
Comment: Advanced modeling of protein sequence and biophysical properties (such as structural, functional, and spatial information, amino acid conservation, physicochemical variation, residue mobility, and thermodynamic stability) performed at Invitae indicates that this missense variant is not expected to disrupt ANKRD11 protein function. In summary, the available evidence is currently insufficient to determine the role of this variant in disease. Therefore, it has been classified as a Variant of Uncertain Significance. This variant has not been reported in the literature in individuals affected with ANKRD11-related conditions. This variant is present in population databases (rs763015116, gnomAD 0.003%). This sequence change replaces serine, which is neutral and polar, with phenylalanine, which is neutral and non-polar, at codon 1891 of the ANKRD11 protein (p.Ser1891Phe).

NM_013275.6(ANKRD11):c.5672C>T (p.Ser1891Phe)

Gene: ANKRD11 (ankyrin repeat domain 11; minus strand). Cytogenetic location: 16q24.3.
Variant type: single nucleotide variant.
Coding change: c.5672C>T on transcript NM_013275.6 (MANE Select); coding-DNA position 5672, C replaced by T.
Protein change: p.Ser1891Phe; replaces serine 1891 with phenylalanine.
Molecular consequence: missense variant.
Genome position (GRCh38, 1-based): chr16:89,280,870, G>A on the plus strand (C>T on the coding strand, the complement: ANKRD11 is on the minus strand). VCF-style: chr16-89280870-G-A. GRCh37 (hg19) VCF-style: chr16-89347278-G-A.
Other names: c.5672C>T (NM_013275.4); c.5672C>T, p.Ser1891Phe (NM_001256182.2, NM_001256183.2); short protein forms S1891F.
Identifiers: ClinVar variation 2842268 (VCV002842268.4), dbSNP rs763015116, ClinGen allele CA8241759.